The following is an entry in ClinVar:

ClinVar aggregate classification (germline): Uncertain significance (1 of 4 stars; one submission).

Submission:

GeneDx
Classification: Uncertain significance. Last evaluated: 2020-02-07. Review status: criteria provided, single submitter. Criteria: GeneDx Variant Classification Process June 2021. Collection method: clinical testing. Allele origin: germline. Affected: yes.
Comment: Has not been previously published as pathogenic or benign to our knowledge; Not observed in large population cohorts (Lek et al., 2016); In silico analysis supports that this missense variant does not alter protein structure/function; Occurs in the triple helical domain at the X position in the canonical Gly-X-Y repeat; although this variant may have an effect on normal protein folding and function, missense substitution at the X position is not a common mechanism of disease (Stenson et al., 2014)

NM_001844.5(COL2A1):c.2406G>T (p.Glu802Asp)

Gene: COL2A1 (collagen type II alpha 1 chain; minus strand). Cytogenetic location: 12q13.11.
Variant type: single nucleotide variant.
Coding change: c.2406G>T on transcript NM_001844.5 (MANE Select); coding-DNA position 2406, G replaced by T.
Protein change: p.Glu802Asp; replaces glutamic acid 802 with aspartic acid.
Molecular consequence: missense variant.
Genome position (GRCh38, 1-based): chr12:47,981,779, C>A on the plus strand (G>T on the coding strand, the complement: COL2A1 is on the minus strand). VCF-style: chr12-47981779-C-A. GRCh37 (hg19) VCF-style: chr12-48375562-C-A.
Other names: c.2199G>T, p.Glu733Asp (NM_033150.3); short protein forms E733D, E802D.
Identifiers: ClinVar variation 1315369 (VCV001315369.2), dbSNP rs2136544523, ClinGen allele CA384545393.